The following is an entry in ClinVar:

ClinVar aggregate classification (germline): Uncertain significance. Review status: criteria provided, multiple submitters, no conflicts (2 of 4 stars). 2 submissions from 2 submitters: Uncertain significance (2). Last evaluated 2025-01-10.

Conditions:
Inborn genetic diseases. Identifiers: MedGen C0950123, MeSH D030342.

gnomAD v4.1: 11 of 1,611,784 alleles (0.00068%); highest among the groups gnomAD compares: Non-Finnish European, 0.00093%; no homozygotes.

Submissions (2):

Ambry Genetics
Classification: Uncertain significance for Inborn genetic diseases. Last evaluated: 2025-01-10. Review status: criteria provided, single submitter. Criteria: Ambry Variant Classification Scheme 2023. Collection method: clinical testing. Allele origin: germline.
Comment: The p.E190V variant (also known as c.569A>T), located in coding exon 3 of the ERCC6L2 gene, results from an A to T substitution at nucleotide position 569. The glutamic acid at codon 190 is replaced by valine, an amino acid with dissimilar properties. This amino acid position is conserved. In addition, this alteration is predicted to be tolerated by in silico analysis. Based on the available evidence, the clinical significance of this variant remains unclear.

Labcorp Genetics (formerly Invitae), Labcorp
Classification: Uncertain significance. Last evaluated: 2024-07-04. Review status: criteria provided, single submitter. Criteria: Invitae Variant Classification Sherloc (09022015). Collection method: clinical testing. Allele origin: germline.
Comment: This sequence change replaces glutamic acid, which is acidic and polar, with valine, which is neutral and non-polar, at codon 201 of the ERCC6L2 protein (p.Glu201Val). This variant is not present in population databases (gnomAD no frequency). This variant has not been reported in the literature in individuals affected with ERCC6L2-related conditions. Experimental studies and prediction algorithms are not available or were not evaluated, and the functional significance of this variant is currently unknown. Algorithms developed to predict the effect of sequence changes on RNA splicing suggest that this variant may create or strengthen a splice site. In summary, the available evidence is currently insufficient to determine the role of this variant in disease. Therefore, it has been classified as a Variant of Uncertain Significance.

NM_020207.7(ERCC6L2):c.569A>T (p.Glu190Val)

Gene: ERCC6L2 (ERCC excision repair 6 like 2; plus strand). Cytogenetic location: 9q22.32.
Variant type: single nucleotide variant.
Coding change: c.569A>T on transcript NM_020207.7 (MANE Select); coding-DNA position 569, A replaced by T.
Protein change: p.Glu190Val; replaces glutamic acid 190 with valine.
Molecular consequence: missense variant. On other transcripts: non-coding transcript variant (1).
Genome position (GRCh38, 1-based): chr9:95,897,946, A>T. VCF-style: chr9-95897946-A-T. GRCh37 (hg19) VCF-style: chr9-98660228-A-T.
Other names: c.569A>T, p.Glu190Val (NM_001010895.4, NM_001375291.1, NM_001375292.1 and 2 more transcripts); short protein forms E190V.
Identifiers: ClinVar variation 3675759 (VCV003675759.3).